The following is an entry in ClinVar:

ClinVar aggregate classification (germline): Conflicting classifications of pathogenicity. Review status: criteria provided, conflicting classifications (1 of 4 stars). 9 submissions from 9 submitters: Uncertain significance (6); Likely benign (3). Last evaluated 2026-02-05.

Conditions:
BRCA2-related disorder. Also called: BRCA2-related condition; BRCA2-related disorders. Identifiers: MedGen CN239275.
Hereditary cancer-predisposing syndrome. Also called: Neoplastic Syndromes, Hereditary; Tumor predisposition; Hereditary Cancer Syndrome; Hereditary neoplastic syndrome. Identifiers: Orphanet 140162, MedGen C0027672, MeSH D009386, MONDO:0015356.
Hereditary breast ovarian cancer syndrome. Also called: Hereditary breast and ovarian cancer; Hereditary breast and ovarian cancer syndrome (HBOC); Breast and ovarian cancer; BRCA1- and BRCA2-Associated Hereditary Breast and Ovarian Cancer; Hereditary breast and/or ovarian cancer syndrome; Hereditary breast and ovarian cancer syndrome. Identifiers: Orphanet 145, MedGen C0677776, MeSH D061325, MONDO:0003582. Disease mechanism: loss of function.
Breast-ovarian cancer, familial, susceptibility to, 2 (BROVCA2). Also called: BRCA2 Hereditary Breast and Ovarian Cancer. Identifiers: Orphanet 145, MedGen C2675520, MONDO:0012933, OMIM 612555. Disease mechanism: loss of function.

Allele frequency attached by ClinVar (database versions not stated): gnomAD exomes 0.00001.
gnomAD v4.1: 3 of 1,613,800 alleles (0.00019%); highest among the groups gnomAD compares: Admixed American, 0.0033%; no homozygotes.

Submissions (9):

PreventionGenetics, part of Exact Sciences
Classification: Uncertain significance for BRCA2-related condition. Last evaluated: 2026-02-05. Review status: criteria provided, single submitter. Criteria: ACMG Guidelines, 2015. Collection method: clinical testing. Allele origin: germline.
Comment: The BRCA2 c.5693A>G variant is predicted to result in the amino acid substitution p.Asp1898Gly. To our knowledge, this variant has not been reported in the literature in individuals with BRCA2-related conditions. This variant is reported in 0.0054% of alleles in individuals of East Asian descent in gnomAD and has conflicting interpretations in ClinVar ranging from likely benign to uncertain (Variation ID: 230805). At this time, the clinical significance of this variant is uncertain due to the absence of conclusive functional and genetic evidence.

Labcorp Genetics (formerly Invitae), Labcorp
Classification: Uncertain significance for Hereditary breast ovarian cancer syndrome. Last evaluated: 2026-01-19. Review status: criteria provided, single submitter. Criteria: Invitae Variant Classification Sherloc (09022015). Collection method: clinical testing. Allele origin: germline.
Comment: This sequence change replaces aspartic acid, which is acidic and polar, with glycine, which is neutral and non-polar, at codon 1898 of the BRCA2 protein (p.Asp1898Gly). This variant is present in population databases (no rsID available, gnomAD 0.006%). This variant has not been reported in the literature in individuals affected with BRCA2-related conditions. ClinVar contains an entry for this variant (Variation ID: 230805). Invitae Evidence Modeling of protein sequence and biophysical properties (such as structural, functional, and spatial information, amino acid conservation, physicochemical variation, residue mobility, and thermodynamic stability) indicates that this missense variant is not expected to disrupt BRCA2 protein function with a negative predictive value of 95%. In summary, the available evidence is currently insufficient to determine the role of this variant in disease. Therefore, it has been classified as a Variant of Uncertain Significance.

Women's Health and Genetics/Laboratory Corporation of America, LabCorp
Classification: Uncertain significance. Last evaluated: 2025-06-10. Review status: criteria provided, single submitter. Criteria: LabCorp Variant Classification Summary - May 2015. Collection method: clinical testing. Allele origin: germline.
Comment: Variant summary: BRCA2 c.5693A>G (p.Asp1898Gly) results in a non-conservative amino acid change in the encoded protein sequence. Algorithms developed to predict the effect of missense changes on protein structure and function are either unavailable or do not agree on the potential impact of this missense change. The variant allele was found at a frequency of 8e-06 in 250698 control chromosomes. The available data on variant occurrences in the general population are insufficient to allow any conclusion about variant significance. c.5693A>G has been observed in individual(s) affected with Hereditary Breast And Ovarian Cancer Syndrome (Chen_2020). These report(s) do not provide unequivocal conclusions about association of the variant with Hereditary Breast And Ovarian Cancer Syndrome. To our knowledge, no experimental evidence demonstrating an impact on protein function has been reported. The following publication has been ascertained in the context of this evaluation (PMID: 32091409). ClinVar contains an entry for this variant (Variation ID: 230805). Based on the evidence outlined above, the variant was classified as uncertain significance.

Quest Diagnostics Nichols Institute San Juan Capistrano
Classification: Uncertain significance. Last evaluated: 2025-02-17. Review status: criteria provided, single submitter. Criteria: Quest Diagnostics criteria. Collection method: clinical testing. Allele origin: unknown.
Comment: The BRCA2 c.5693A>G (p.Asp1898Gly) variant has been reported in the published literature in individuals personal and/or family history of breast cancer (PMID: 33471991 (2021), see also LOVD) and an unspecified type of hereditary cancer (PMID: 31853058 (2020)). This variant has been identified in reportedly healthy individuals (PMID: 33471991 (2021), see also LOVD). In addition, this variant is reported to be located in a region of the BRCA2 gene that is tolerant to missense sequence changes (PMID: 31911673 (2020)). The frequency of this variant in the general population (Genome Aggregation Database) is uninformative in the assessment of its pathogenicity. Analysis of this variant using bioinformatics tools for the prediction of the effect of amino acid changes on protein structure and function yielded predictions that this variant is benign. Based on the available information, we are unable to determine the clinical significance of this variant.

Color Diagnostics, LLC DBA Color Health
Classification: Likely benign for Hereditary cancer-predisposing syndrome. Last evaluated: 2024-10-07. Review status: criteria provided, single submitter. Criteria: ACMG Guidelines, 2015. Collection method: clinical testing. Allele origin: germline.

GeneDx
Classification: Uncertain significance. Last evaluated: 2023-09-06. Review status: criteria provided, single submitter. Criteria: GeneDx Variant Classification Process June 2021. Collection method: clinical testing. Allele origin: germline. Affected: yes.
Comment: Observed in an individual with breast cancer (Chen et al., 2020); In silico analysis supports that this missense variant does not alter protein structure/function; Not observed at significant frequency in large population cohorts (gnomAD); Also known as 5921A>G; This variant is associated with the following publications: (PMID: 32817299, 35118119, 29884841, 32091409)

All of Us Research Program, National Institutes of Health
Classification: Uncertain significance for Breast-ovarian cancer, familial, susceptibility to, 2. Last evaluated: 2023-07-22. Review status: criteria provided, single submitter. Criteria: ACMG Guidelines, 2015. Collection method: clinical testing. Allele origin: germline. Inheritance: Autosomal dominant inheritance. Observed: 2 variant alleles, 2 heterozygotes.
Comment: This missense variant replaces aspartic acid with glycine at codon 1898 of the BRCA2 protein. Computational prediction suggests that this variant may not impact protein structure and function (internally defined REVEL score threshold <= 0.5, PMID: 27666373). To our knowledge, functional studies have not been reported for this variant. n a large breast cancer case-control meta analysis conducted by the BRIDGES consortium, this variant was reported in 1/60466 cases and 2/53461 controls (PMID: 33471991; Leiden Open Variation Database DB-ID BRCA2_008362). This variant has been identified in 2/250698 chromosomes in the general population by the Genome Aggregation Database (gnomAD). This variant has been reported in a population study in Macau (PMID: 32817299). The available evidence is insufficient to determine the role of this variant in disease conclusively. Therefore, this variant is classified as a Variant of Uncertain Significance.

This study involves interpretation of variants in research participants for the purpose of population health screening. Participant phenotype was not available at the time of variant classification. Additional details can be found in publication PMID: 35346344, PMCID: PMC8962531

University of Washington Department of Laboratory Medicine, University of Washington
Classification: Likely benign for Hereditary cancer-predisposing syndrome. Last evaluated: 2023-03-23. Review status: criteria provided, single submitter. Criteria: Dines et al. (Genet Med. 2020). Collection method: curation. Allele origin: germline.
Comment: Missense variant in a coldspot region where missense variants are very unlikely to be pathogenic (PMID:31911673).

BRCA2 exon 11 coldspot. Reclassification based on statistical prior probability.

Ambry Genetics
Classification: Likely benign for Hereditary cancer-predisposing syndrome. Last evaluated: 2020-11-06. Review status: criteria provided, single submitter. Criteria: Ambry Variant Classification Scheme 2023. Collection method: clinical testing. Allele origin: germline.

Literature cited by the submitters: PubMed 32091409 (cited by Women's Health and Genetics/Laboratory Corporation of America, LabCorp); PubMed 31911673 (cited by Quest Diagnostics Nichols Institute San Juan Capistrano); PubMed 31853058 (cited by Quest Diagnostics Nichols Institute San Juan Capistrano); PubMed 33471991 (cited by Quest Diagnostics Nichols Institute San Juan Capistrano and All of Us Research Program, National Institutes of Health); PubMed 32817299 (cited by All of Us Research Program, National Institutes of Health).

NM_000059.4(BRCA2):c.5693A>G (p.Asp1898Gly)

Gene: BRCA2 (BRCA2 DNA repair associated; plus strand). Cytogenetic location: 13q13.1.
Variant type: single nucleotide variant.
Coding change: c.5693A>G on transcript NM_000059.4 (MANE Select); coding-DNA position 5693, A replaced by G.
Protein change: p.Asp1898Gly; replaces aspartic acid 1898 with glycine.
Molecular consequence: missense variant.
Genome position (GRCh38, 1-based): chr13:32,340,048, A>G. VCF-style: chr13-32340048-A-G. GRCh37 (hg19) VCF-style: chr13-32914185-A-G.
Other names: short protein forms D1898G.
Identifiers: ClinVar variation 230805 (VCV000230805.29), dbSNP rs876658786, ClinGen allele CA10579662.